The following is an entry in ClinVar:

NM_031885.5(BBS2):c.1659+3A>G

Gene: BBS2 (Bardet-Biedl syndrome 2; minus strand). Cytogenetic location: 16q13.
Variant type: single nucleotide variant.
Coding change: c.1659+3A>G on transcript NM_031885.5 (MANE Select); 3 bases into the intron after coding-DNA position 1659, A replaced by G.
Molecular consequence: intron variant.
Genome position (GRCh38, 1-based): chr16:56,498,434, T>C on the plus strand (A>G on the coding strand, the complement: BBS2 is on the minus strand). VCF-style: chr16-56498434-T-C. GRCh37 (hg19) VCF-style: chr16-56532346-T-C.
Other names: p.?; c.1659+3A>G (NM_001377456.1).
Identifiers: ClinVar variation 261980 (VCV000261980.29), dbSNP rs6499838, ClinGen allele CA8065659.
Genomic context (GRCh38, chr16:56,498,434, plus strand): 5'-GTCTAAGTGTTTGAATAAATAAATTCAAAAAAGAAATCTATGCCCCGTGATATTAAACAT[T>C]ACCTCTCCACTAAGTTTTATTTTTATATGCAGGTGGCCGCCATTCCGTAAAGATGTGAAA-3'

ClinVar aggregate classification (germline): Benign/Likely benign. Review status: criteria provided, multiple submitters, no conflicts (2 of 4 stars). 11 submissions from 11 submitters: Benign (8); Likely benign (2). 1 of the submissions does not count toward it. Last evaluated 2026-02-04.

Conditions:
Bardet-Biedl syndrome (BBS). Identifiers: Orphanet 110, MedGen C0752166, MONDO:0015229.
Bardet-Biedl syndrome 1 (BBS1). Identifiers: MedGen C2936862, MONDO:0008854, OMIM 209900. Disease mechanism: loss of function.
Bardet-Biedl syndrome 2 (BBS2). Identifiers: Orphanet 110, MedGen C2936863, MONDO:0014432, OMIM 615981.

Allele frequency attached by ClinVar (database versions not stated): ExAC 0.01156; gnomAD 0.03415; 1000 Genomes Project 0.03834; TOPMed 0.03928; 1000 Genomes Project 30x 0.04107; ESP Exome Variant Server 0.04124.
gnomAD v4.1: 10,654 of 1,613,902 alleles (0.66%); highest among the groups gnomAD compares: African/African-American, 12%; 622 homozygotes.

Submissions (11):

Labcorp Genetics (formerly Invitae), Labcorp
Classification: Benign for Bardet-Biedl syndrome. Last evaluated: 2026-02-04. Review status: criteria provided, single submitter. Criteria: Invitae Variant Classification Sherloc (09022015). Collection method: clinical testing. Allele origin: germline.

Mayo Clinic Laboratories, Mayo Clinic
Classification: Benign. Last evaluated: 2024-10-01. Review status: criteria provided, single submitter. Criteria: ACMG Guidelines, 2015. Collection method: clinical testing. Allele origin: germline. Observed: 4 variant alleles.
Comment: BA1, BS2

GeneDx
Classification: Benign. Last evaluated: 2021-05-04. Review status: criteria provided, single submitter. Criteria: GeneDx Variant Classification Process June 2021. Collection method: clinical testing. Allele origin: germline. Affected: yes.
Comment: This variant is associated with the following publications: (PMID: 27894351, 27884173, 21642631)

Illumina Laboratory Services, Illumina
Classification: Likely benign for Bardet-Biedl syndrome 2. Last evaluated: 2017-04-27. Review status: criteria provided, single submitter. Criteria: ICSL Variant Classification Criteria 13 December 2019. Collection method: clinical testing. Allele origin: germline.
Comment: This variant was observed as part of a predisposition screen in an ostensibly healthy population. A literature search was performed for the gene, cDNA change, and amino acid change (where applicable). No publications were found based on this search. Allele frequency data from public databases allowed determination this variant is unlikely to cause disease. Therefore, this variant is classified as likely benign.

Center for Pediatric Genomic Medicine, Children's Mercy Hospital and Clinics
Classification: Benign. Last evaluated: 2016-06-23. Review status: criteria provided, single submitter. Criteria: ACMG Guidelines, 2015. Collection method: clinical testing. Allele origin: germline.

Eurofins Ntd Llc (ga)
Classification: Benign. Last evaluated: 2016-06-13. Review status: criteria provided, single submitter. Criteria: EGL Classification Definitions 2015. Collection method: clinical testing. Allele origin: germline. Observed: 1 variant allele, 1 heterozygote.

Clinical Genetics DNA and cytogenetics Diagnostics Lab, Erasmus MC, Erasmus Medical Center
Classification: Benign for Bardet-Biedl syndrome 1. Last evaluated: 2015-09-21. Review status: criteria provided, single submitter. Criteria: ACGS Guidelines, 2013. Collection method: clinical testing. Allele origin: germline. Affected: yes. Study: VKGL Data-share Consensus.

Genome Diagnostics Laboratory, University Medical Center Utrecht
Classification: Benign for Bardet-Biedl syndrome 1. Last evaluated: 2014-12-23. Review status: criteria provided, single submitter. Criteria: ACGS Guidelines, 2013. Collection method: clinical testing. Allele origin: germline. Affected: yes. Study: VKGL Data-share Consensus.

Breakthrough Genomics
Classification: Likely benign. Review status: criteria provided, single submitter. Criteria: ACMG Guidelines, 2015. Collection method: not provided. Allele origin: germline. Inheritance: Autosomal recessive inheritance. Affected: yes.

PreventionGenetics, part of Exact Sciences
Classification: Benign. Review status: criteria provided, single submitter. Criteria: ACMG Guidelines, 2015. Collection method: clinical testing. Allele origin: germline.

Natera, Inc.
Classification: Benign for Bardet-Biedl syndrome type 2. Last evaluated: 2020-09-16. Review status: no assertion criteria provided. Collection method: clinical testing. Allele origin: germline. Not counted in ClinVar's aggregate classification.

Literature cited by the submitters: PubMed 21642631 (cited by Mayo Clinic Laboratories, Mayo Clinic); PubMed 27884173 (cited by Mayo Clinic Laboratories, Mayo Clinic).